The following is an entry in ClinVar:

ClinVar aggregate classification (germline): Uncertain significance. Review status: criteria provided, multiple submitters, no conflicts (2 of 4 stars). 2 submissions from 2 submitters: Uncertain significance (2). Last evaluated 2024-12-31.

Conditions:
Inborn genetic diseases. Identifiers: MedGen C0950123, MeSH D030342.
Pitt-Hopkins-like syndrome 2 (PTHSL2). Identifiers: Orphanet 221150, Orphanet 600663, MedGen C3280479, MONDO:0013690, OMIM 614325.

Allele frequency attached by ClinVar (database versions not stated): gnomAD 0.00002; gnomAD exomes 0.00002; TOPMed 0.00002; ExAC 0.00003.
gnomAD v4.1: 26 of 1,600,662 alleles (0.0016%); highest among the groups gnomAD compares: Middle Eastern, 0.033%; no homozygotes.

Submissions (2):

Ambry Genetics
Classification: Uncertain significance for Inborn genetic diseases. Last evaluated: 2024-12-31. Review status: criteria provided, single submitter. Criteria: Ambry Variant Classification Scheme 2023. Collection method: clinical testing. Allele origin: germline.

Labcorp Genetics (formerly Invitae), Labcorp
Classification: Uncertain significance for Pitt-Hopkins-like syndrome 2. Last evaluated: 2024-02-22. Review status: criteria provided, single submitter. Criteria: Invitae Variant Classification Sherloc (09022015). Collection method: clinical testing. Allele origin: germline.
Comment: This sequence change replaces isoleucine, which is neutral and non-polar, with valine, which is neutral and non-polar, at codon 95 of the NRXN1 protein (p.Ile95Val). This variant is present in population databases (rs778259562, gnomAD 0.02%). This variant has not been reported in the literature in individuals affected with NRXN1-related conditions. ClinVar contains an entry for this variant (Variation ID: 950057). An algorithm developed to predict the effect of missense changes on protein structure and function (PolyPhen-2) suggests that this variant is likely to be disruptive. In summary, the available evidence is currently insufficient to determine the role of this variant in disease. Therefore, it has been classified as a Variant of Uncertain Significance.

NM_001330078.2(NRXN1):c.283A>G (p.Ile95Val)

Gene: NRXN1 (neurexin 1; minus strand). Cytogenetic location: 2p16.3.
Variant type: single nucleotide variant.
Coding change: c.283A>G on transcript NM_001330078.2 (MANE Select); coding-DNA position 283, A replaced by G.
Protein change: p.Ile95Val; replaces isoleucine 95 with valine.
Molecular consequence: missense variant.
Genome position (GRCh38, 1-based): chr2:51,027,991, T>C on the plus strand (A>G on the coding strand, the complement: NRXN1 is on the minus strand). VCF-style: chr2-51027991-T-C. GRCh37 (hg19) VCF-style: chr2-51255129-T-C.
Other names: c.283A>G, p.Ile95Val (NM_001135659.3, NM_001330077.2, NM_001330079.2 and 15 more transcripts); short protein forms I95V.
Identifiers: ClinVar variation 950057 (VCV000950057.11), dbSNP rs778259562, ClinGen allele CA1655532.